The following is an entry in ClinVar:

NM_001354712.2(THRB):c.1324A>G (p.Met442Val)

Gene: THRB (thyroid hormone receptor beta; minus strand). Cytogenetic location: 3p24.2.
Variant type: single nucleotide variant.
Coding change: c.1324A>G on transcript NM_001354712.2 (MANE Select); coding-DNA position 1324, A replaced by G.
Protein change: p.Met442Val; replaces methionine 442 with valine.
Molecular consequence: missense variant.
Genome position (GRCh38, 1-based): chr3:24,122,946, T>C on the plus strand (A>G on the coding strand, the complement: THRB is on the minus strand). VCF-style: chr3-24122946-T-C. GRCh37 (hg19) VCF-style: chr3-24164437-T-C.
Other names: c.1324A>G, p.Met442Val (NM_000461.5, NM_001128176.3, NM_001128177.2 and 6 more transcripts); c.1231A>G, p.Met411Val (NM_001354714.2, NM_001354715.2); c.1324A>G (NM_001252634.1); short protein forms M442V, M411V.
Identifiers: ClinVar variation 12547 (VCV000012547.10), dbSNP rs121918691, ClinGen allele CA122477.

ClinVar aggregate classification (germline): Likely pathogenic. Review status: criteria provided, multiple submitters, no conflicts (2 of 4 stars). 5 submissions from 5 submitters: Likely pathogenic (4). 1 of the submissions does not count toward it. Last evaluated 2026-07-23.

Conditions:
THRB-related disorder. Also called: THRB-related condition.
Thyroid hormone resistance, generalized, autosomal dominant (GRTHD). Also called: HYPERTHYROXINEMIA, FAMILIAL EUTHYROID, SECONDARY TO PITUITARY AND PERIPHERAL RESISTANCE TO THYROID HORMONES. Identifiers: MedGen C2937288, MONDO:0008569, OMIM 188570.

Submissions (5):

PreventionGenetics, part of Exact Sciences
Classification: Likely pathogenic for THRB-related condition. Last evaluated: 2026-07-23. Review status: criteria provided, single submitter. Criteria: ACMG Guidelines, 2015. Collection method: clinical testing. Allele origin: germline.
Comment: The THRB c.1324A>G variant is predicted to result in the amino acid substitution p.Met442Val. This variant has been observed in multiple patients with thyroid hormone resistance (THR) (see for example: Ono et al. 1991. PubMed ID: 1682340; Adams et al. 1994. PubMed ID: 8040303; Grace et al. 1995. PubMed ID: 8535442). Additionally, an alternate missense change at the same amino acid position (p.Met442Thr) has been shown to be causative for THR (Bayer et al. 2004. PubMed ID: 15031774; Pongjantarasatian. 2012. PubMed ID: 21795843). This variant has not been reported in a large population database (gnomAD), indicating this variant is rare. This variant is interpreted as likely pathogenic.

GeneDx
Classification: Likely pathogenic. Last evaluated: 2023-08-26. Review status: criteria provided, single submitter. Criteria: GeneDx Variant Classification Process June 2021. Collection method: clinical testing. Allele origin: germline. Affected: yes.
Comment: Observed in two siblings with generalized thyroid hormone resistance (Parrilla et al., 1991); Published functional studies demonstrate a damaging effect resulting in reduction of binding affinity of the THRB receptor (Parrilla et al., 1991); In silico analysis supports that this missense variant does not alter protein structure/function; Not observed at significant frequency in large population cohorts (gnomAD); This variant is associated with the following publications: (PMID: 2555064, 8013151, 19378427, 1661299, 21871106)

Quest Diagnostics Nichols Institute San Juan Capistrano
Classification: Likely pathogenic. Last evaluated: 2022-10-27. Review status: criteria provided, single submitter. Criteria: Quest Diagnostics criteria. Collection method: clinical testing. Allele origin: unknown.
Comment: This variant has not been reported in large, multi-ethnic general populations. In the published literature, the variant has been reported in individuals with resistance to thyroid hormone (RTH) (PMIDs: 1661299 (1991) and 21871106 (2011)). Functional studies report the variant is damaging to protein function (PMIDs: 1661299 (1991) and 2555064 (1989)). Analysis of this variant using bioinformatics tools for the prediction of the effect of amino acid changes on protein structure and function yielded predictions that this variant is damaging. Based on the available information, this variant is classified as likely pathogenic.

Women's Health and Genetics/Laboratory Corporation of America, LabCorp
Classification: Likely pathogenic for Thyroid hormone resistance, generalized, autosomal dominant. Last evaluated: 2022-04-15. Review status: criteria provided, single submitter. Criteria: LabCorp Variant Classification Summary - May 2015. Collection method: clinical testing. Allele origin: germline.
Comment: Variant summary: THRB c.1324A>G (p.Met442Val) results in a conservative amino acid change located in the Nuclear hormone receptor, ligand-binding domain of the encoded protein sequence. Three of five in-silico tools predict a benign effect of the variant on protein function. The variant was absent in 251486 control chromosomes. c.1324A>G has been reported in the literature in individuals affected with Thyroid Hormone Resistance, Generalized or pituitary-selective. These data indicate that the variant may be associated with disease. To our knowledge, no experimental evidence demonstrating an impact on protein function has been reported. One clinical diagnostic laboratory has submitted clinical-significance assessments for this variant to ClinVar after 2014 without evidence for independent evaluation and classified the variant as likely pathogenic. Based on the evidence outlined above, the variant was classified as likely pathogenic.

OMIM
Classification: Pathogenic for THYROID HORMONE RESISTANCE, GENERALIZED, AUTOSOMAL DOMINANT. Last evaluated: 1994-05-01. Review status: no assertion criteria provided. Collection method: literature only. Allele origin: germline. Not counted in ClinVar's aggregate classification.

Literature cited by the submitters: PubMed 1661299 (cited by 3 submitters); PubMed 2555064 (cited by Quest Diagnostics Nichols Institute San Juan Capistrano); PubMed 8013151 (cited by Quest Diagnostics Nichols Institute San Juan Capistrano and OMIM); PubMed 19378427 (cited by Quest Diagnostics Nichols Institute San Juan Capistrano); PubMed 21871106 (cited by Quest Diagnostics Nichols Institute San Juan Capistrano and Women's Health and Genetics/Laboratory Corporation of America, LabCorp).